The following is an entry in ClinVar:

NM_017780.4(CHD7):c.5464G>A (p.Gly1822Ser)

Gene: CHD7 (chromodomain helicase DNA binding protein 7; plus strand). Cytogenetic location: 8q12.2.
Variant type: single nucleotide variant.
Coding change: c.5464G>A on transcript NM_017780.4 (MANE Select); coding-DNA position 5464, G replaced by A.
Protein change: p.Gly1822Ser; replaces glycine 1822 with serine.
Molecular consequence: missense variant. On other transcripts: intron variant (1).
Genome position (GRCh38, 1-based): chr8:60,850,552, G>A. VCF-style: chr8-60850552-G-A. GRCh37 (hg19) VCF-style: chr8-61763111-G-A.
Other names: c.1717-11677G>A (NM_001316690.1); short protein forms G1822S.
Identifiers: ClinVar variation 2041527 (VCV002041527.4), dbSNP rs1805408586, ClinGen allele CA371321649.
Genomic context (GRCh38, chr8:60,850,552, plus strand): 5'-GGCTATGAGAAGTACAACTCCATGCGAGCTGACCCCGCGCTGTGCTTTCTGGAACGAGTC[G>A]GTATGCCTGATGCCAAGGCCATAGCTGCCGAGCAAAGAGGAACAGACATGCTAGCAGATG-3'
Protein context (NP_060250.2, residues 1812-1832): DPALCFLERV[Gly1822Ser]MPDAKAIAAE

ClinVar aggregate classification (germline): Uncertain significance (1 of 4 stars; one submission).

Conditions:
CHARGE syndrome (CHARGE). Also called: Hittner Hirsch Kreh syndrome; CHARGE ASSOCIATION--COLOBOMA, HEART ANOMALY, CHOANAL ATRESIA, RETARDATION, GENITAL AND EAR ANOMALIES; Coloboma, heart anomaly, choanal atresia, retardation, genital and ear anomalies; CHARGE association; Hall-Hittner syndrome. Identifiers: Orphanet 138, MedGen C0265354, MONDO:0008965.

Allele frequency attached by ClinVar (database versions not stated): gnomAD 0.00001; gnomAD exomes 0.00001.
gnomAD v4.1: 9 of 1,613,202 alleles (0.00056%); highest among the groups gnomAD compares: South Asian, 0.0022%; no homozygotes.

Submission:

Labcorp Genetics (formerly Invitae), Labcorp
Classification: Uncertain significance for CHARGE syndrome. Last evaluated: 2022-09-21. Review status: criteria provided, single submitter. Criteria: Invitae Variant Classification Sherloc (09022015). Collection method: clinical testing. Allele origin: germline.
Comment: In summary, the available evidence is currently insufficient to determine the role of this variant in disease. Therefore, it has been classified as a Variant of Uncertain Significance. Advanced modeling of protein sequence and biophysical properties (such as structural, functional, and spatial information, amino acid conservation, physicochemical variation, residue mobility, and thermodynamic stability) performed at Invitae indicates that this missense variant is expected to disrupt CHD7 protein function. This variant has not been reported in the literature in individuals affected with CHD7-related conditions. This variant is not present in population databases (gnomAD no frequency). This sequence change replaces glycine, which is neutral and non-polar, with serine, which is neutral and polar, at codon 1822 of the CHD7 protein (p.Gly1822Ser).